The following is an entry in ClinVar:

NM_022455.5(NSD1):c.4535A>G (p.Lys1512Arg)

Gene: NSD1 (nuclear receptor binding SET domain protein 1; plus strand). Cytogenetic location: 5q35.3.
Variant type: single nucleotide variant.
Coding change: c.4535A>G on transcript NM_022455.5 (MANE Select); coding-DNA position 4535, A replaced by G.
Protein change: p.Lys1512Arg; replaces lysine 1512 with arginine.
Molecular consequence: missense variant.
Genome position (GRCh38, 1-based): chr5:177,248,218, A>G. VCF-style: chr5-177248218-A-G. GRCh37 (hg19) VCF-style: chr5-176675219-A-G.
Other names: c.3662A>G, p.Lys1221Arg (NM_001365684.2, NM_001409306.1, NM_001409307.1 and 3 more transcripts); c.4535A>G, p.Lys1512Arg (NM_001409301.1, NM_001409302.1, NM_001409303.1); c.4115A>G, p.Lys1372Arg (NM_001409304.1); c.3782A>G, p.Lys1261Arg (NM_001409305.1); short protein forms K1221R, K1261R, K1372R, K1512R.
Identifiers: ClinVar variation 3679295 (VCV003679295.2).

ClinVar aggregate classification (germline): Uncertain significance (1 of 4 stars; one submission).

gnomAD v4.1: 5 of 1,614,172 alleles (0.00031%); highest among the groups gnomAD compares: South Asian, 0.0011%; no homozygotes.

Submission:

Labcorp Genetics (formerly Invitae), Labcorp
Classification: Uncertain significance. Last evaluated: 2024-02-07. Review status: criteria provided, single submitter. Criteria: Invitae Variant Classification Sherloc (09022015). Collection method: clinical testing. Allele origin: germline.
Comment: This sequence change replaces lysine, which is basic and polar, with arginine, which is basic and polar, at codon 1512 of the NSD1 protein (p.Lys1512Arg). This variant is present in population databases (rs769887309, gnomAD 0.0009%). This variant has not been reported in the literature in individuals affected with NSD1-related conditions. Advanced modeling of protein sequence and biophysical properties (such as structural, functional, and spatial information, amino acid conservation, physicochemical variation, residue mobility, and thermodynamic stability) performed at Invitae indicates that this missense variant is expected to disrupt NSD1 protein function with a positive predictive value of 95%. In summary, the available evidence is currently insufficient to determine the role of this variant in disease. Therefore, it has been classified as a Variant of Uncertain Significance.